The following is an entry in ClinVar:

ClinVar aggregate classification (germline): Uncertain significance (1 of 4 stars; one submission).

Allele frequency attached by ClinVar (database versions not stated): gnomAD exomes below 0.00001.
gnomAD v4.1: 1 of 1,614,170 alleles (0.000062%); highest among the groups gnomAD compares: Non-Finnish European, 0.000085%; no homozygotes.

Submission:

Labcorp Genetics (formerly Invitae), Labcorp
Classification: Uncertain significance. Last evaluated: 2022-06-08. Review status: criteria provided, single submitter. Criteria: Invitae Variant Classification Sherloc (09022015). Collection method: clinical testing. Allele origin: germline.
Comment: In summary, the available evidence is currently insufficient to determine the role of this variant in disease. Therefore, it has been classified as a Variant of Uncertain Significance. Advanced modeling of protein sequence and biophysical properties (such as structural, functional, and spatial information, amino acid conservation, physicochemical variation, residue mobility, and thermodynamic stability) performed at Invitae indicates that this missense variant is not expected to disrupt COL4A2 protein function. This variant has not been reported in the literature in individuals affected with COL4A2-related conditions. This variant is not present in population databases (gnomAD no frequency). This sequence change replaces proline, which is neutral and non-polar, with serine, which is neutral and polar, at codon 934 of the COL4A2 protein (p.Pro934Ser).

NM_001846.4(COL4A2):c.2800C>T (p.Pro934Ser)

Gene: COL4A2 (collagen type IV alpha 2 chain; plus strand). Cytogenetic location: 13q34.
Variant type: single nucleotide variant.
Coding change: c.2800C>T on transcript NM_001846.4 (MANE Select); coding-DNA position 2800, C replaced by T.
Protein change: p.Pro934Ser; replaces proline 934 with serine.
Molecular consequence: missense variant.
Genome position (GRCh38, 1-based): chr13:110,482,557, C>T. VCF-style: chr13-110482557-C-T. GRCh37 (hg19) VCF-style: chr13-111134904-C-T.
Other names: short protein forms P934S.
Identifiers: ClinVar variation 2000434 (VCV002000434.4), dbSNP rs2502163605, ClinGen allele CA388727310.